The following is an entry in ClinVar:

NM_001370259.2(MEN1):c.409C>A (p.Arg137=)

Gene: MEN1 (menin 1; minus strand). Cytogenetic location: 11q13.1.
Variant type: single nucleotide variant.
Coding change: c.409C>A on transcript NM_001370259.2 (MANE Select); coding-DNA position 409, C replaced by A.
Protein change: p.Arg137=; no amino-acid change (arginine 137 retained).
Molecular consequence: synonymous variant.
Genome position (GRCh38, 1-based): chr11:64,809,701, G>T on the plus strand (C>A on the coding strand, the complement: MEN1 is on the minus strand). VCF-style: chr11-64809701-G-T. GRCh37 (hg19) VCF-style: chr11-64577173-G-T.
Other names: c.409C>A, p.Arg137= (NM_000244.4, NM_001370251.2, NM_001370260.2 and 9 more transcripts).
Identifiers: ClinVar variation 945446 (VCV000945446.13), dbSNP rs1208267598, ClinGen allele CA474983896.

ClinVar aggregate classification (germline): Benign/Likely benign. Review status: criteria provided, multiple submitters, no conflicts (2 of 4 stars). 3 submissions from 3 submitters: Benign (1); Likely benign (2). Last evaluated 2025-08-26.

Conditions:
Hereditary cancer-predisposing syndrome. Also called: Neoplastic Syndromes, Hereditary; Hereditary neoplastic syndrome; Hereditary Cancer Syndrome; Tumor predisposition. Identifiers: Orphanet 140162, MedGen C0027672, MeSH D009386, MONDO:0015356.
Multiple endocrine neoplasia, type 1 (MEN1). Also called: MEN I; WERMER SYNDROME; Endocrine adenomatosis multiple; MEN 1; MEA I. Identifiers: Orphanet 652, MedGen C0025267, MeSH D018761, MONDO:0007540, OMIM 131100.

Submissions (3):

Labcorp Genetics (formerly Invitae), Labcorp
Classification: Likely benign for Multiple endocrine neoplasia, type 1. Last evaluated: 2025-08-26. Review status: criteria provided, single submitter. Criteria: Invitae Variant Classification Sherloc (09022015). Collection method: clinical testing. Allele origin: germline.

Myriad Genetics, Inc.
Classification: Benign for Multiple endocrine neoplasia, type 1. Last evaluated: 2024-11-01. Review status: criteria provided, single submitter. Criteria: Myriad Autosomal Dominant, Autosomal Recessive and X-Linked Classification Criteria (2023). Collection method: clinical testing. Allele origin: unknown.
Comment: This variant is considered benign. This variant is a silent/synonymous amino acid change and it is not expected to impact splicing.

Ambry Genetics
Classification: Likely benign for Hereditary cancer-predisposing syndrome. Last evaluated: 2021-07-06. Review status: criteria provided, single submitter. Criteria: Ambry Variant Classification Scheme 2023. Collection method: clinical testing. Allele origin: germline.